The following is an entry in ClinVar:

NM_000156.6(GAMT):c.384C>G (p.His128Gln)

Gene: GAMT (guanidinoacetate N-methyltransferase; minus strand). Cytogenetic location: 19p13.3.
Variant type: single nucleotide variant.
Coding change: c.384C>G on transcript NM_000156.6 (MANE Select); coding-DNA position 384, C replaced by G.
Protein change: p.His128Gln; replaces histidine 128 with glutamine.
Molecular consequence: missense variant.
Genome position (GRCh38, 1-based): chr19:1,399,531, G>C on the plus strand (C>G on the coding strand, the complement: GAMT is on the minus strand). VCF-style: chr19-1399531-G-C. GRCh37 (hg19) VCF-style: chr19-1399530-G-C.
Other names: NM_138924.3:c.384C>G; c.384C>G, p.His128Gln (NM_138924.3); short protein forms H128Q.
Identifiers: ClinVar variation 4537502 (VCV004537502.1).

ClinVar aggregate classification (germline): Likely pathogenic (3 of 4 stars; one submission).

Conditions:
Deficiency of guanidinoacetate methyltransferase (CCDS2). Also called: GAMT DEFICIENCY; CEREBRAL CREATINE DEFICIENCY SYNDROME 2; Guanidinoacetate Methyltransferase (GAMT) Deficiency. Identifiers: Orphanet 382, MedGen C0574080, MONDO:0012999, OMIM 612736.

Submission:

ClinGen Cerebral Creatine Deficiency Syndromes Variant Curation Expert Panel, ClinGen
Classification: Likely pathogenic for Deficiency of guanidinoacetate methyltransferase. Last evaluated: 2025-12-10. Review status: reviewed by expert panel. Criteria: ClinGen CCDS ACMG Specifications GAMT V2.0.0. Collection method: curation. Allele origin: germline. Inheritance: Autosomal recessive inheritance.
Comment: The NM_000156.6:c.384C>G variant in GAMT is a missense variant that is predicted to cause the substitution of a histidine with a glutamine at amino acid position 128 (p.His128Gln). This variant has been detected in at least one individual with GAMT deficiency (PMID: 40105081), who was compound heterozygous for this variant and a pathogenic variant c.59G>C (p.Trp20Ser), which was confirmed in trans by parental testing (PM3). This patient had significantly decreased creatine peak on brain MRS (GAA not reported) and elevated GAA and low or low normal creatine in urine (PP4_Strong). This variant is absent in gnomAD v4.1.0. (PM2_Supporting). The computational predictor REVEL gives a score of 0.587 which is neither above nor below the thresholds predicting a damaging (≥0.644) or benign (<0.29) impact on GAMT function. There is no ClinVar entry for this variant. In summary, this variant meets the criteria to be classified as likely pathogenic for GAMT deficiency based on the GAMT-specific ACMG/AMP criteria applied, as specified by the ClinGen Cerebral Creatine Deficiency Syndromes Variant Curation Expert Panel (Specifications Version 2.0.0): PM2_Supporting, PM3, PP4_Strong. (Classification approved by the ClinGen Cerebral Creatine Deficiency Syndromes Variant Curation Expert Panel on December 10, 2025)